The following is an entry in ClinVar:

ClinVar aggregate classification (germline): Uncertain significance (1 of 4 stars; one submission).

Conditions:
Retinoblastoma (RB1). Also called: RETINOBLASTOMA, SOMATIC. Identifiers: Orphanet 790, MedGen C0035335, MeSH D012175, MONDO:0008380, OMIM 180200, HP:0009919. Disease mechanism: loss of function. Inheritance: Both sporadic and heritable forms are tested..

Submission:

All of Us Research Program, National Institutes of Health
Classification: Uncertain significance for Retinoblastoma. Last evaluated: 2023-08-15. Review status: criteria provided, single submitter. Criteria: ACMG Guidelines, 2015. Collection method: clinical testing. Allele origin: germline. Inheritance: Autosomal dominant inheritance. Observed: 1 variant allele, 1 heterozygote.
Comment: This missense variant replaces threonine with alanine at codon 823 of the RB1 protein. Computational prediction suggests that this variant may not impact protein structure and function (internally defined REVEL score threshold <= 0.5, PMID: 27666373). To our knowledge, functional studies have not been reported for this variant. This variant has not been reported in individuals affected with RB1-related disorders in the literature. This variant has not been identified in the general population by the Genome Aggregation Database (gnomAD). The available evidence is insufficient to determine the role of this variant in disease conclusively. Therefore, this variant is classified as a Variant of Uncertain Significance.

This study involves interpretation of variants in research participants for the purpose of population health screening. Participant phenotype was not available at the time of variant classification. Additional details can be found in publication PMID: 35346344, PMCID: PMC8962531

NM_000321.3(RB1):c.2467A>G (p.Thr823Ala)

Gene: RB1 (RB transcriptional corepressor 1; plus strand). Cytogenetic location: 13q14.2.
Variant type: single nucleotide variant.
Coding change: c.2467A>G on transcript NM_000321.3 (MANE Select); coding-DNA position 2467, A replaced by G.
Protein change: p.Thr823Ala; replaces threonine 823 with alanine.
Molecular consequence: missense variant.
Genome position (GRCh38, 1-based): chr13:48,465,346, A>G. VCF-style: chr13-48465346-A-G. GRCh37 (hg19) VCF-style: chr13-49039482-A-G.
Other names: c.2467A>G, p.Thr823Ala (NM_001407165.1); short protein forms T823A.
Identifiers: ClinVar variation 3072883 (VCV003072883.1), dbSNP rs2138346168, ClinGen allele CA388168041.